The following is an entry in ClinVar:

ClinVar aggregate classification (germline): Uncertain significance (1 of 4 stars; one submission).

Submission:

Labcorp Genetics (formerly Invitae), Labcorp
Classification: Uncertain significance. Last evaluated: 2024-06-10. Review status: criteria provided, single submitter. Criteria: Invitae Variant Classification Sherloc (09022015). Collection method: clinical testing. Allele origin: germline.
Comment: This sequence change replaces asparagine, which is neutral and polar, with serine, which is neutral and polar, at codon 272 of the CFAP298 protein (p.Asn272Ser). This variant is present in population databases (rs772351777, gnomAD 0.0009%). This variant has not been reported in the literature in individuals affected with CFAP298-related conditions. Algorithms developed to predict the effect of missense changes on protein structure and function output the following: SIFT: "Not Available"; PolyPhen-2: "Benign"; Align-GVGD: "Not Available". The serine amino acid residue is found in multiple mammalian species, which suggests that this missense change does not adversely affect protein function. In summary, the available evidence is currently insufficient to determine the role of this variant in disease. Therefore, it has been classified as a Variant of Uncertain Significance.

NM_021254.4(CFAP298):c.815A>G (p.Asn272Ser)

Genes: CFAP298 (cilia and flagella associated protein 298; minus strand), CFAP298-TCP10L (CFAP298-TCP10L readthrough; minus strand). Cytogenetic location: 21q22.11.
Variant type: single nucleotide variant.
Coding change: c.815A>G on transcript NM_021254.4 (MANE Select); coding-DNA position 815, A replaced by G.
Protein change: p.Asn272Ser; replaces asparagine 272 with serine.
Molecular consequence: missense variant. On other transcripts: 3 prime UTR variant (2), intron variant (1).
Genome position (GRCh38, 1-based): chr21:32,601,921, T>C on the plus strand (A>G on the coding strand, the complement: CFAP298 is on the minus strand). VCF-style: chr21-32601921-T-C. GRCh37 (hg19) VCF-style: chr21-33974231-T-C.
Other names: c.719A>G, p.Asn240Ser (NM_001350336.2); c.*303A>G (NM_001350337.2); c.666+1240A>G (NM_001350338.2); c.518A>G, p.Asn173Ser (NM_001350334.2); c.*1168A>G (NM_001350335.2); short protein forms N173S, N240S, N272S.
Identifiers: ClinVar variation 3619664 (VCV003619664.2).